The following is an entry in ClinVar:

NM_001288705.3(CSF1R):c.2801G>T (p.Gly934Val)

Gene: CSF1R (colony stimulating factor 1 receptor; minus strand). Cytogenetic location: 5q32.
Variant type: single nucleotide variant.
Coding change: c.2801G>T on transcript NM_001288705.3 (MANE Select); coding-DNA position 2801, G replaced by T.
Protein change: p.Gly934Val; replaces glycine 934 with valine.
Molecular consequence: missense variant. On other transcripts: non-coding transcript variant (2).
Genome position (GRCh38, 1-based): chr5:150,054,187, C>A on the plus strand (G>T on the coding strand, the complement: CSF1R is on the minus strand). VCF-style: chr5-150054187-C-A. GRCh37 (hg19) VCF-style: chr5-149433750-C-A.
Other names: c.2801G>T, p.Gly934Val (NM_001349736.2, NM_001375320.1, NM_005211.4); c.2357G>T, p.Gly786Val (NM_001375321.1); short protein forms G786V, G934V.
Identifiers: ClinVar variation 2578985 (VCV002578985.25), dbSNP rs2480935633, ClinGen allele CA361756269.

ClinVar aggregate classification (germline): Uncertain significance (1 of 4 stars; one submission).

Submission:

CeGaT Center for Human Genetics Tuebingen
Classification: Uncertain significance. Last evaluated: 2023-08-01. Review status: criteria provided, single submitter. Criteria: CeGaT Center For Human Genetics Tuebingen Variant Classification Criteria Version 2. Collection method: clinical testing. Allele origin: germline. Affected: yes. Observed: 1 variant allele.
Comment: CSF1R: PM2, BP4